The following is an entry in ClinVar:

NM_000384.3(APOB):c.12866C>A (p.Ser4289Tyr)

Gene: APOB (apolipoprotein B; minus strand). Cytogenetic location: 2p24.1.
Variant type: single nucleotide variant.
Coding change: c.12866C>A on transcript NM_000384.3 (MANE Select); coding-DNA position 12866, C replaced by A.
Protein change: p.Ser4289Tyr; replaces serine 4289 with tyrosine.
Molecular consequence: missense variant.
Genome position (GRCh38, 1-based): chr2:21,002,556, G>T on the plus strand (C>A on the coding strand, the complement: APOB is on the minus strand). VCF-style: chr2-21002556-G-T. GRCh37 (hg19) VCF-style: chr2-21225428-G-T.
Other names: short protein forms S4289Y.
Identifiers: ClinVar variation 5028710 (VCV005028710.1).
Genomic context (GRCh38, chr2:21,002,556, plus strand): 5'-AGTTGGAAAATGAATTGTAAAAGGTCCTGAAGATTACGTAGCACCTCTGTGGTCTTGAGA[G>T]ACTGAATGGCTTTAAATACCTCTTGGGCTTCTTTTGATAAATCTTTCAACAGTTCCCTAT-3'
Protein context (NP_000375.3, residues 4279-4299): EAQEVFKAIQ[Ser4289Tyr]LKTTEVLRNL

ClinVar aggregate classification (germline): Uncertain significance (1 of 4 stars; one submission).

Conditions:
Cardiovascular phenotype. Identifiers: MedGen CN230736.

gnomAD v4.1: 1 of 1,614,014 alleles (0.000062%); highest among the groups gnomAD compares: Non-Finnish European, 0.000085%; no homozygotes.

Submission:

Ambry Genetics
Classification: Uncertain significance for Cardiovascular phenotype. Last evaluated: 2026-09-14. Review status: criteria provided, single submitter. Criteria: Ambry Variant Classification Scheme 2023. Collection method: clinical testing. Allele origin: germline.
Comment: The p.S4289Y variant (also known as c.12866C>A), located in coding exon 29 of the APOB gene, results from a C to A substitution at nucleotide position 12866. The serine at codon 4289 is replaced by tyrosine, an amino acid with dissimilar properties. This amino acid position is conserved. In addition, this alteration is predicted to be tolerated by in silico analysis. Based on the available evidence, the clinical significance of this variant remains unclear.